The following is an entry in ClinVar:

NM_033026.6(PCLO):c.7171C>T (p.Arg2391Cys)

Gene: PCLO (piccolo presynaptic cytomatrix protein; minus strand). Cytogenetic location: 7q21.11.
Variant type: single nucleotide variant.
Coding change: c.7171C>T on transcript NM_033026.6 (MANE Select); coding-DNA position 7171, C replaced by T.
Protein change: p.Arg2391Cys; replaces arginine 2391 with cysteine.
Molecular consequence: missense variant.
Genome position (GRCh38, 1-based): chr7:82,953,782, G>A on the plus strand (C>T on the coding strand, the complement: PCLO is on the minus strand). VCF-style: chr7-82953782-G-A. GRCh37 (hg19) VCF-style: chr7-82583098-G-A.
Other names: c.7171C>T, p.Arg2391Cys (NM_014510.3); short protein forms R2391C.
Identifiers: ClinVar variation 1380554 (VCV001380554.6), dbSNP rs186877233, ClinGen allele CA4320349.
Genomic context (GRCh38, chr7:82,953,782, plus strand): 5'-GGGGAGGAGGGGGAGGAGGTTGAGCTGATATATCCAAAGAAGAACTTCTAAAGAATGGGC[G>A]AGGTTTAGCTGGAAGAGAGGAAACAGAAGGACTGCCAGATGGTAACTGAGATGCAGGTTT-3'
Protein context (NP_149015.2, residues 2381-2401): PSVSSLPAKP[Arg2391Cys]PFFRSSSLDI

ClinVar aggregate classification (germline): Uncertain significance (1 of 4 stars; one submission).

Allele frequency attached by ClinVar (database versions not stated): gnomAD exomes 0.00003 and 0.00004; ExAC 0.00012; 1000 Genomes Project 30x 0.00016; 1000 Genomes Project 0.00020.
gnomAD v4.1: 52 of 1,585,228 alleles (0.0033%); highest among the groups gnomAD compares: African/African-American, 0.0054%; no homozygotes.

Submission:

Labcorp Genetics (formerly Invitae), Labcorp
Classification: Uncertain significance. Last evaluated: 2025-08-11. Review status: criteria provided, single submitter. Criteria: Invitae Variant Classification Sherloc (09022015). Collection method: clinical testing. Allele origin: germline.
Comment: This sequence change replaces arginine, which is basic and polar, with cysteine, which is neutral and slightly polar, at codon 2391 of the PCLO protein (p.Arg2391Cys). This variant is present in population databases (rs186877233, gnomAD 0.03%). This variant has not been reported in the literature in individuals affected with PCLO-related conditions. ClinVar contains an entry for this variant (Variation ID: 1380554). Experimental studies and prediction algorithms are not available or were not evaluated, and the functional significance of this variant is currently unknown. In summary, the available evidence is currently insufficient to determine the role of this variant in disease. Therefore, it has been classified as a Variant of Uncertain Significance.